The following is an entry in ClinVar:

ClinVar aggregate classification (germline): Uncertain significance (1 of 4 stars; one submission).

Conditions:
Norman-Roberts syndrome (LIS2). Also called: Lissencephaly 2 (Norman-Roberts type). Identifiers: Orphanet 89844, MedGen C0796089, MONDO:0009760, OMIM 257320.
Familial temporal lobe epilepsy 7. Identifiers: Orphanet 101046, MedGen C4225327, MONDO:0014639, OMIM 616436.

Submission:

Labcorp Genetics (formerly Invitae), Labcorp
Classification: Uncertain significance for Familial temporal lobe epilepsy 7; Norman-Roberts syndrome. Last evaluated: 2024-09-27. Review status: criteria provided, single submitter. Criteria: Invitae Variant Classification Sherloc (09022015). Collection method: clinical testing. Allele origin: germline.
Comment: This sequence change replaces valine, which is neutral and non-polar, with leucine, which is neutral and non-polar, at codon 358 of the RELN protein (p.Val358Leu). This variant is not present in population databases (gnomAD no frequency). This variant has not been reported in the literature in individuals affected with RELN-related conditions. Invitae Evidence Modeling of protein sequence and biophysical properties (such as structural, functional, and spatial information, amino acid conservation, physicochemical variation, residue mobility, and thermodynamic stability) indicates that this missense variant is not expected to disrupt RELN protein function with a negative predictive value of 80%. In summary, the available evidence is currently insufficient to determine the role of this variant in disease. Therefore, it has been classified as a Variant of Uncertain Significance.

NM_005045.4(RELN):c.1072G>C (p.Val358Leu)

Gene: RELN (reelin; minus strand). Cytogenetic location: 7q22.1.
Variant type: single nucleotide variant.
Coding change: c.1072G>C on transcript NM_005045.4 (MANE Select); coding-DNA position 1072, G replaced by C.
Protein change: p.Val358Leu; replaces valine 358 with leucine.
Molecular consequence: missense variant.
Genome position (GRCh38, 1-based): chr7:103,697,924, C>G on the plus strand (G>C on the coding strand, the complement: RELN is on the minus strand). VCF-style: chr7-103697924-C-G. GRCh37 (hg19) VCF-style: chr7-103338371-C-G.
Other names: c.1072G>C, p.Val358Leu (NM_173054.3); short protein forms V358L.
Identifiers: ClinVar variation 3758696 (VCV003758696.2).